The following is an entry in ClinVar:

NM_001643.2(APOA2):c.288G>A (p.Gln96=)

Gene: APOA2 (apolipoprotein A2; minus strand). Cytogenetic location: 1q23.3.
Variant type: single nucleotide variant.
Coding change: c.288G>A on transcript NM_001643.2 (MANE Select); coding-DNA position 288, G replaced by A.
Protein change: p.Gln96=; no amino-acid change (glutamine 96 retained).
Molecular consequence: synonymous variant.
Genome position (GRCh38, 1-based): chr1:161,222,420, C>T on the plus strand (G>A on the coding strand, the complement: APOA2 is on the minus strand). VCF-style: chr1-161222420-C-T. GRCh37 (hg19) VCF-style: chr1-161192210-C-T.
Identifiers: ClinVar variation 496142 (VCV000496142.8), dbSNP rs6413454, ClinGen allele CA1209087.

ClinVar aggregate classification (germline): Benign. Review status: criteria provided, multiple submitters, no conflicts (2 of 4 stars). 4 submissions from 4 submitters: Benign (2). 2 of the submissions do not count toward it. Last evaluated 2018-05-14.

Conditions:
APOA2-related disorder. Also called: APOA2-related condition.

Allele frequency attached by ClinVar (database versions not stated): gnomAD exomes 0.00027 and 0.00065; ExAC 0.00073; 1000 Genomes Project 0.00140; 1000 Genomes Project 30x 0.00141; ESP Exome Variant Server 0.00231; gnomAD 0.00287 and 0.00317; TOPMed 0.00344.
gnomAD v4.1: 851 of 1,614,136 alleles (0.053%); highest among the groups gnomAD compares: African/African-American, 0.98%; 4 homozygotes.

Submissions (4):

Labcorp Genetics (formerly Invitae), Labcorp
Classification: Benign. Last evaluated: 2018-05-14. Review status: criteria provided, single submitter. Criteria: Invitae Variant Classification Sherloc (09022015). Collection method: clinical testing. Allele origin: germline.

Women's Health and Genetics/Laboratory Corporation of America, LabCorp
Classification: Benign. Last evaluated: 2016-07-25. Review status: criteria provided, single submitter. Criteria: LabCorp Variant Classification Summary - May 2015. Collection method: clinical testing. Allele origin: germline.
Comment: Variant summary: The APOA2 c.288G>A (p.Gln96Gln) variant involves the alteration of a non-conserved nucleotide, resulting in a synonymous change. One in silico tool predicts a benign outcome for this variant. 4/5 splice prediction tools predict no significant impact on normal splicing. ESE finder predicts that this variant may affect ESE sites. However, these predictions have yet to be confirmed by functional studies. This variant was found in 88/121348 control chromosomes at a frequency of 0.0007252, which is approximately 36 times the estimated maximal expected allele frequency of a pathogenic APOA2 variant (0.00002), suggesting this variant is likely a benign polymorphism. The variant of interest has not, to our knowledge, been reported in affected individuals via publications and/or reputable databases/clinical diagnostic laboratories; nor evaluated for functional impact by in vivo/vitro studies. Taken together, this variant is classified as benign.

Genetic Services Laboratory, University of Chicago
Classification: Benign. Last evaluated: 2022-08-28. Review status: no assertion criteria provided. Collection method: clinical testing. Allele origin: germline. Affected: no. Not counted in ClinVar's aggregate classification.

PreventionGenetics, part of Exact Sciences
Classification: Likely benign for APOA2-related condition. Last evaluated: 2019-04-02. Review status: no assertion criteria provided. Collection method: clinical testing. Allele origin: germline. Not counted in ClinVar's aggregate classification.
Comment: This variant is classified as likely benign based on ACMG/AMP sequence variant interpretation guidelines (Richards et al. 2015 PMID: 25741868, with internal and published modifications).